The following is an entry in ClinVar:

ClinVar aggregate classification (germline): Uncertain significance. Review status: criteria provided, multiple submitters, no conflicts (2 of 4 stars). 2 submissions from 2 submitters: Uncertain significance (2). Last evaluated 2024-06-04.

Conditions:
Left ventricular noncompaction 8 (LVNC8). Identifiers: Orphanet 154, Orphanet 54260, MedGen C3809288, MONDO:0014152, OMIM 615373.

Allele frequency attached by ClinVar (database versions not stated): gnomAD 0.00001; gnomAD exomes 0.00002; TOPMed 0.00002.
gnomAD v4.1: 37 of 1,612,758 alleles (0.0023%); highest among the groups gnomAD compares: South Asian, 0.0055%; no homozygotes.

Submissions (2):

Labcorp Genetics (formerly Invitae), Labcorp
Classification: Uncertain significance for Left ventricular noncompaction 8. Last evaluated: 2024-06-04. Review status: criteria provided, single submitter. Criteria: Invitae Variant Classification Sherloc (09022015). Collection method: clinical testing. Allele origin: germline.
Comment: This sequence change replaces valine, which is neutral and non-polar, with methionine, which is neutral and non-polar, at codon 343 of the PRDM16 protein (p.Val343Met). This variant is not present in population databases (gnomAD no frequency). This variant has not been reported in the literature in individuals affected with PRDM16-related conditions. ClinVar contains an entry for this variant (Variation ID: 2142606). An algorithm developed to predict the effect of missense changes on protein structure and function (PolyPhen-2) suggests that this variant is likely to be disruptive. In summary, the available evidence is currently insufficient to determine the role of this variant in disease. Therefore, it has been classified as a Variant of Uncertain Significance.

CeGaT Center for Human Genetics Tuebingen
Classification: Uncertain significance. Last evaluated: 2024-04-01. Review status: criteria provided, single submitter. Criteria: CeGaT Center For Human Genetics Tuebingen Variant Classification Criteria Version 2. Collection method: clinical testing. Allele origin: germline. Affected: yes. Observed: 1 variant allele.

NM_022114.4(PRDM16):c.1027G>A (p.Val343Met)

Gene: PRDM16 (PR/SET domain 16; plus strand). Cytogenetic location: 1p36.32.
Variant type: single nucleotide variant.
Coding change: c.1027G>A on transcript NM_022114.4 (MANE Select); coding-DNA position 1027, G replaced by A.
Protein change: p.Val343Met; replaces valine 343 with methionine.
Molecular consequence: missense variant.
Genome position (GRCh38, 1-based): chr1:3,404,881, G>A. VCF-style: chr1-3404881-G-A. GRCh37 (hg19) VCF-style: chr1-3321445-G-A.
Other names: c.1027G>A, p.Val343Met (NM_199454.3); short protein forms V343M.
Identifiers: ClinVar variation 2142606 (VCV002142606.24), dbSNP rs1373495544, ClinGen allele CA338005081.